The following is an entry in ClinVar:

NM_000257.4(MYH7):c.5629G>C (p.Ala1877Pro)

Gene: MYH7 (myosin heavy chain 7; minus strand). Cytogenetic location: 14q11.2.
Variant type: single nucleotide variant.
Coding change: c.5629G>C on transcript NM_000257.4 (MANE Select); coding-DNA position 5629, G replaced by C.
Protein change: p.Ala1877Pro; replaces alanine 1877 with proline.
Molecular consequence: missense variant.
Genome position (GRCh38, 1-based): chr14:23,414,033, C>G on the plus strand (G>C on the coding strand, the complement: MYH7 is on the minus strand). VCF-style: chr14-23414033-C-G. GRCh37 (hg19) VCF-style: chr14-23883242-C-G.
Other names: c.5629G>C, p.Ala1877Pro (NM_001407004.1); short protein forms A1877P.
Identifiers: ClinVar variation 2793705 (VCV002793705.3), dbSNP rs2502234403, ClinGen allele CA389034830.

ClinVar aggregate classification (germline): Uncertain significance (1 of 4 stars; one submission).

Conditions:
Hypertrophic cardiomyopathy. Also called: HYPERTROPHIC MYOCARDIOPATHY. Identifiers: Orphanet 217569, MedGen C0007194, MeSH D002312, MONDO:0005045, HP:0001639.

Submission:

Labcorp Genetics (formerly Invitae), Labcorp
Classification: Uncertain significance for Hypertrophic cardiomyopathy. Last evaluated: 2024-09-16. Review status: criteria provided, single submitter. Criteria: Invitae Variant Classification Sherloc (09022015). Collection method: clinical testing. Allele origin: germline.
Comment: This sequence change replaces alanine, which is neutral and non-polar, with proline, which is neutral and non-polar, at codon 1877 of the MYH7 protein (p.Ala1877Pro). This variant is not present in population databases (gnomAD no frequency). This variant has not been reported in the literature in individuals affected with MYH7-related conditions. Invitae Evidence Modeling of protein sequence and biophysical properties (such as structural, functional, and spatial information, amino acid conservation, physicochemical variation, residue mobility, and thermodynamic stability) indicates that this missense variant is expected to disrupt MYH7 protein function with a positive predictive value of 95%. In summary, the available evidence is currently insufficient to determine the role of this variant in disease. Therefore, it has been classified as a Variant of Uncertain Significance.